The following is an entry in ClinVar:

ClinVar aggregate classification (germline): Uncertain significance (1 of 4 stars; one submission).

Conditions:
Perlman syndrome (PRLMNS). Identifiers: Orphanet 2849, MedGen C0796113, MONDO:0009965, OMIM 267000.

Submission:

Labcorp Genetics (formerly Invitae), Labcorp
Classification: Uncertain significance for Perlman syndrome. Last evaluated: 2022-10-29. Review status: criteria provided, single submitter. Criteria: Invitae Variant Classification Sherloc (09022015). Collection method: clinical testing. Allele origin: germline.
Comment: In summary, the available evidence is currently insufficient to determine the role of this variant in disease. Therefore, it has been classified as a Variant of Uncertain Significance. Advanced modeling of protein sequence and biophysical properties (such as structural, functional, and spatial information, amino acid conservation, physicochemical variation, residue mobility, and thermodynamic stability) performed at Invitae indicates that this missense variant is not expected to disrupt DIS3L2 protein function. This variant has not been reported in the literature in individuals affected with DIS3L2-related conditions. This variant is not present in population databases (gnomAD no frequency). This sequence change replaces methionine, which is neutral and non-polar, with leucine, which is neutral and non-polar, at codon 669 of the DIS3L2 protein (p.Met669Leu).

NM_152383.5(DIS3L2):c.2005A>C (p.Met669Leu)

Gene: DIS3L2 (DIS3 like 3'-5' exoribonuclease 2; plus strand). Cytogenetic location: 2q37.1.
Variant type: single nucleotide variant.
Coding change: c.2005A>C on transcript NM_152383.5 (MANE Select); coding-DNA position 2005, A replaced by C.
Protein change: p.Met669Leu; replaces methionine 669 with leucine.
Molecular consequence: missense variant. On other transcripts: non-coding transcript variant (2), intron variant (1).
Genome position (GRCh38, 1-based): chr2:232,330,771, A>C. VCF-style: chr2-232330771-A-C. GRCh37 (hg19) VCF-style: chr2-233195481-A-C.
Other names: c.1582-12574A>C (NM_001257281.2); short protein forms M669L.
Identifiers: ClinVar variation 2810498 (VCV002810498.3), dbSNP rs1553550940, ClinGen allele CA350976764.